The following is an entry in ClinVar:

NM_000154.2(GALK1):c.880delinsCGC (p.Ala294fs)

Gene: GALK1 (galactokinase 1; minus strand). Cytogenetic location: 17q25.1.
Variant type: Indel.
Coding change: c.880delinsCGC on transcript NM_000154.2 (MANE Select); coding-DNA position 880, G replaced by CGC.
Protein change: p.Ala294fs; shifts the reading frame from alanine 294.
Molecular consequence: frameshift variant.
Genome position (GRCh38, 1-based): chr17:75,758,513, C replaced by GCG on the plus strand (G replaced by CGC on the coding strand, the reverse complement: GALK1 is on the minus strand). VCF-style: chr17-75758513-C-GCG. GRCh37 (hg19) VCF-style: chr17-73754594-C-GCG.
Other names: c.880delinsCGC, p.Ala294fs (NM_001381985.1); short protein forms A294fs.
Identifiers: ClinVar variation 5011892 (VCV005011892.1).
Genomic context (GRCh38, chr17:75,758,513, plus strand): 5'-GTGAGCGGTGGCTCTCCACCATGAGGCGGCCAAAGGCTCTGTAGTCGCCACGTCTCAGGG[C>GCG]GGCCGCTGCCTGGGCCGTGCGCCGAATCTCCCCCACCACGTGCCGGGCCCGCCGGAAGCC-3'

ClinVar aggregate classification (germline): Pathogenic (1 of 4 stars; one submission).

Conditions:
Deficiency of galactokinase. Also called: GALACTOSEMIA II; Galactokinase deficiency with cataracts. Identifiers: Orphanet 352, Orphanet 79237, MedGen C0268155, MONDO:0009255, OMIM 230200.

Submission:

Myriad Genetics, Inc.
Classification: Pathogenic for Deficiency of galactokinase. Last evaluated: 2023-09-27. Review status: criteria provided, single submitter. Criteria: Myriad Autosomal Dominant, Autosomal Recessive and X-Linked Classification Criteria (2023). Collection method: clinical testing. Allele origin: unknown.
Comment: NM_000154.1(GALK1):c.880delGinsCGC(A294Rfs*3) is expected to be pathogenic in the context of galactokinase deficiency. This variant is predicted to lead to an abnormal or absent protein product due to the creation of a premature termination codon in GALK1, a gene where loss-of-function variants are known to be pathogenic. Please note: this variant was assessed in the context of healthy population screening.